The following is an entry in ClinVar:

ClinVar aggregate classification (germline): Pathogenic/Likely pathogenic. Review status: criteria provided, multiple submitters, no conflicts (2 of 4 stars). 13 submissions from 13 submitters: Pathogenic (8); Likely pathogenic (3). 2 of the submissions do not count toward it. Last evaluated 2025-07-10.

Conditions:
Hyperinsulinemic hypoglycemia, familial, 1 (HHF1). Also called: Persistent hyperinsulinemic hypoglycemia of infancy; Persistent Hyperinsulinemia Hypoglycemia of Infancy; HYPERINSULINISM, FAMILIAL, WITH PANCREATIC NESIDIOBLASTOSIS; HYPOGLYCEMIA, HYPERINSULINEMIC, OF INFANCY; NESIDIOBLASTOSIS OF PANCREAS. Identifiers: Orphanet 276575, Orphanet 276598, MedGen C2931832, MONDO:0009734, OMIM 256450.
Leucine-induced hypoglycemia (LIH). Also called: LEUCINE-SENSITIVE HYPOGLYCEMIA OF INFANCY. Identifiers: MedGen C0271714, MONDO:0009415, OMIM 240800.
Type 2 diabetes mellitus. Also called: Type II diabetes mellitus. Identifiers: MedGen C0011860, MeSH D003924, MONDO:0005148, OMIM 125853, HP:0005978.
Diabetes mellitus, transient neonatal, 2 (TNDM2). Identifiers: Orphanet 99886, MedGen C1835887, MONDO:0012480, OMIM 610374. Disease mechanism: loss of function.
Diabetes mellitus, permanent neonatal 3. Also called: ABCC8-Related Permanent Neonatal Diabetes Mellitus. Identifiers: MedGen C5394303, MONDO:0030088, OMIM 618857.
ABCC8-related disorder.
Hereditary hyperinsulinism.

Submissions (13):

3billion
Classification: Pathogenic for Hyperinsulinemic hypoglycemia, familial, 1. Last evaluated: 2025-07-10. Review status: criteria provided, single submitter. Criteria: ACMG Guidelines, 2015. Collection method: clinical testing. Allele origin: germline. Affected: yes.
Comment: The variant is observed at an extremely low frequency in the gnomAD v4.1.0 dataset (total allele frequency: <0.001%). Predicted Consequence/Location: Missense variant In silico tool predictions suggest damaging effect of the variant on gene or gene product [3Cnet: 0.92 (> 0.75, sensitivity 0.96 and precision 0.92)]. The same nucleotide change resulting in the same amino acid change has been previously reported as pathogenic/likely pathogenic with strong evidence (ClinVar ID: VCV000210082 /PMID: 9618169 /3billion dataset). The variant has been reported to be in trans with a pathogenic variant as either compound heterozygous or homozygous in at least 2 similarly affected unrelated individuals (PMID: 15562009, 24686051, 28442472, 9618169). Therefore, this variant is classified as Pathogenic according to the recommendation of ACMG/AMP guideline.

Labcorp Genetics (formerly Invitae), Labcorp
Classification: Pathogenic. Last evaluated: 2025-07-08. Review status: criteria provided, single submitter. Criteria: Invitae Variant Classification Sherloc (09022015). Collection method: clinical testing. Allele origin: germline.
Comment: This sequence change replaces asparagine, which is neutral and polar, with serine, which is neutral and polar, at codon 188 of the ABCC8 protein (p.Asn188Ser). This variant is not present in population databases (gnomAD no frequency). This missense change has been observed in individual(s) with autosomal recessive diffuse or focal hyperinsulinism (PMID: 15562009, 16429405, 24434300, 24686051, 28442472). In at least one individual the data is consistent with being in trans (on the opposite chromosome) from a pathogenic variant. ClinVar contains an entry for this variant (Variation ID: 210082). Invitae Evidence Modeling of protein sequence and biophysical properties (such as structural, functional, and spatial information, amino acid conservation, physicochemical variation, residue mobility, and thermodynamic stability) has been performed for this missense variant. However, the output from this modeling did not meet the statistical confidence thresholds required to predict the impact of this variant on ABCC8 protein function. Experimental studies are conflicting or provide insufficient evidence to determine the effect of this variant on ABCC8 function (PMID: 9648840). Algorithms developed to predict the effect of sequence changes on RNA splicing suggest that this variant may disrupt the consensus splice site. For these reasons, this variant has been classified as Pathogenic.

Revvity Omics, Revvity
Classification: Likely pathogenic. Last evaluated: 2025-06-13. Review status: criteria provided, single submitter. Criteria: ACMG Guidelines, 2015. Collection method: clinical testing. Allele origin: germline.

Baylor Genetics
Classification: Likely pathogenic for Type 2 diabetes mellitus. Last evaluated: 2024-03-26. Review status: criteria provided, single submitter. Criteria: ACMG Guidelines, 2015. Collection method: clinical testing. Allele origin: unknown.

Fulgent Genetics
Classification: Likely pathogenic for Type 2 diabetes mellitus; Leucine-induced hypoglycemia; Hyperinsulinemic hypoglycemia, familial, 1; Diabetes mellitus, transient neonatal, 2; Diabetes mellitus, permanent neonatal 3. Last evaluated: 2024-03-25. Review status: criteria provided, single submitter. Criteria: ACMG Guidelines, 2015. Collection method: clinical testing. Allele origin: germline.

Victorian Clinical Genetics Services, Murdoch Childrens Research Institute
Classification: Pathogenic for Hyperinsulinemic hypoglycemia, familial, 1. Last evaluated: 2023-07-17. Review status: criteria provided, single submitter. Criteria: ACMG Guidelines, 2015. Collection method: clinical testing. Allele origin: germline. Inheritance: Autosomal recessive inheritance. Affected: yes.
Comment: Based on the classification scheme VCGS_Germline_v1.3.4, this variant is classified as Pathogenic. Following criteria are met: 0103 - Loss of function and gain of function are known mechanisms of disease in this gene and are associated with congenital hyperinsulism (CHI) and neonatal diabetes mellitus (NDM), respectively (PMIDs: 32376986, 32027066). (I) 0108 - This gene is known to be associated with both recessive and dominant disease. The ABCC8 gene has been associated with both autosomal recessive and dominant NDM and CHI (PMID: 32027066). Focal CHI is caused by a somatic second hit with the loss of the maternal chromosome 11p15.5 region by uniparental disomy that makes the paternally inherited variant mosaic homozygous (PMID: 32027066). (I) 0112 - The condition associated with this gene has incomplete penetrance. Variable penetrance has been reported for hyperinsulinemic hypoglycaemia, familial, 1 (MIM#256450) (PMID: 20301549). (I) 0200 - Variant is predicted to result in a missense amino acid change from asparagine to serine. (I) 0251 - This variant is heterozygous. (I) 0301 - Variant is absent from gnomAD (both v2 and v3). (SP) 0502 - Missense variant with conflicting in silico predictions and uninformative conservation. (I) 0600 - Variant is located in the annotated TMD0 domain (PMID: 25639667). (I) 0801 - This variant has strong previous evidence of pathogenicity in unrelated individuals. This variant has been reported multiple times as likely pathogenic and pathogenic, and have been observed in both homozygous and compound heterozygous individuals with hyperinsulinism (ClinVar, PMID: 25639667, PMID: 25972930, PMID: 15562009, PMID: 24686051). (I) Legend: (SP) - Supporting pathogenic, (I) - Information, (SB) - Supporting benign

Genomic Medicine Center of Excellence, King Faisal Specialist Hospital and Research Centre
Classification: Pathogenic for Diabetes mellitus, permanent neonatal 3. Last evaluated: 2023-05-08. Review status: criteria provided, single submitter. Criteria: ACMG Guidelines, 2015. Collection method: research. Allele origin: germline. Affected: yes.

Women's Health and Genetics/Laboratory Corporation of America, LabCorp
Classification: Pathogenic for Hyperinsulinemic hypoglycemia, familial, 1. Last evaluated: 2019-06-03. Review status: criteria provided, single submitter. Criteria: LabCorp Variant Classification Summary - May 2015. Collection method: clinical testing. Allele origin: germline.
Comment: Variant summary: ABCC8 c.563A>G (p.Asn188Ser) results in a conservative amino acid change in the encoded protein sequence. Three of five in-silico tools predict a benign effect of the variant on protein function. The variant was absent in 235752 control chromosomes (gnomAD). c.563A>G has been reported in the literature in multiple individuals affected with Congenital or Familial Hyperinsulinism (Shyng_1998, Nestorowicz_1998, Christesen_2001, Del Roio Liberatore_2015). These data indicate that the variant is very likely to be associated with disease. A functional study, Shyng_2008, found the variant to form channels that were indistinguishable from the wild-type in terms of regulation of the channel by nucleotides and diazoxide. However, the authors do indicate the variant could be playing a role in transcription, translation, trafficking or stability of protein, where were not assessed. Three ClinVar submissions from clinical diagnostic laboratories (evaluation after 2014) cites the variant as likely pathogenic/pathogenic. Based on the evidence outlined above, the variant was classified as pathogenic.

Blueprint Genetics
Classification: Pathogenic for ABCC8-related disorders. Last evaluated: 2017-10-04. Review status: criteria provided, single submitter. Criteria: ACMG Guidelines, 2015. Collection method: clinical testing. Allele origin: germline. Affected: yes. Observed: 1 variant allele.

Athena Diagnostics
Classification: Pathogenic. Last evaluated: 2017-06-16. Review status: criteria provided, single submitter. Criteria: Athena Diagnostics Criteria. Collection method: clinical testing. Allele origin: germline.

Genetic Services Laboratory, University of Chicago
Classification: Pathogenic for Hyperinsulinemic hypoglycemia, familial, 1. Last evaluated: 2015-06-16. Review status: criteria provided, single submitter. Criteria: ACMG Guidelines, 2015. Collection method: clinical testing. Allele origin: germline. Affected: yes.

Natera, Inc.
Classification: Pathogenic for Hereditary hyperinsulinism. Last evaluated: 2021-01-04. Review status: no assertion criteria provided. Collection method: clinical testing. Allele origin: germline. Not counted in ClinVar's aggregate classification.

Counsyl
Classification: Likely pathogenic for Hyperinsulinemic hypoglycemia, familial, 1. Last evaluated: 2016-08-23. Review status: no assertion criteria provided. Collection method: clinical testing. Allele origin: unknown. Not counted in ClinVar's aggregate classification.

Literature cited by the submitters: PubMed 9618169 (cited by 4 submitters); PubMed 24686051 (cited by 5 submitters); PubMed 15562009 (cited by 5 submitters); PubMed 28442472 (cited by 3 submitters); PubMed 16429405 (cited by 3 submitters); PubMed 24434300 (cited by Labcorp Genetics (formerly Invitae), Labcorp and Athena Diagnostics); PubMed 9648840 (cited by 4 submitters); PubMed 20301549 (cited by Victorian Clinical Genetics Services, Murdoch Childrens Research Institute); PubMed 25639667 (cited by 3 submitters); PubMed 25972930 (cited by 3 submitters); PubMed 32027066 (cited by Victorian Clinical Genetics Services, Murdoch Childrens Research Institute); PubMed 32376986 (cited by Victorian Clinical Genetics Services, Murdoch Childrens Research Institute); PubMed 11697420 (cited by Women's Health and Genetics/Laboratory Corporation of America, LabCorp and Athena Diagnostics); PubMed 10923633 (cited by Athena Diagnostics); PubMed 14715863 (cited by Athena Diagnostics); PubMed 23275527 (cited by Athena Diagnostics and Counsyl); PubMed 26594346 (cited by Athena Diagnostics).

NM_000352.6(ABCC8):c.563A>G (p.Asn188Ser)

Gene: ABCC8 (ATP binding cassette subfamily C member 8; minus strand). Cytogenetic location: 11p15.1.
Variant type: single nucleotide variant.
Coding change: c.563A>G on transcript NM_000352.6 (MANE Select); coding-DNA position 563, A replaced by G.
Protein change: p.Asn188Ser; replaces asparagine 188 with serine.
Molecular consequence: missense variant. On other transcripts: non-coding transcript variant (1).
Genome position (GRCh38, 1-based): chr11:17,463,454, T>C on the plus strand (A>G on the coding strand, the complement: ABCC8 is on the minus strand). VCF-style: chr11-17463454-T-C. GRCh37 (hg19) VCF-style: chr11-17485001-T-C.
Other names: c.563A>G, p.Asn188Ser (NM_001287174.3, NM_001351295.2, NM_001351296.2 and 1 more transcripts); c.563A>G (NM_000352.5); short protein forms N188S.
Identifiers: ClinVar variation 210082 (VCV000210082.23), dbSNP rs797045213, ClinGen allele CA276976.